The following is an entry in ClinVar:

NM_001385012.1(NBEA):c.6685G>T (p.Val2229Leu)

Gene: NBEA (neurobeachin; plus strand). Cytogenetic location: 13q13.3.
Variant type: single nucleotide variant.
Coding change: c.6685G>T on transcript NM_001385012.1 (MANE Select); coding-DNA position 6685, G replaced by T.
Protein change: p.Val2229Leu; replaces valine 2229 with leucine.
Molecular consequence: missense variant.
Genome position (GRCh38, 1-based): chr13:35,550,576, G>T. VCF-style: chr13-35550576-G-T. GRCh37 (hg19) VCF-style: chr13-36124713-G-T.
Other names: c.64G>T, p.Val22Leu (NM_001204197.3); c.6676G>T, p.Val2226Leu (NM_001379245.1); c.6685G>T, p.Val2229Leu (NM_015678.5); short protein forms V2226L, V2229L, V22L.
Identifiers: ClinVar variation 2505750 (VCV002505750.1), dbSNP rs2079269778, ClinGen allele CA387985655.

ClinVar aggregate classification (germline): Uncertain significance (1 of 4 stars; one submission).

Submission:

GeneDx
Classification: Uncertain significance. Last evaluated: 2022-12-13. Review status: criteria provided, single submitter. Criteria: GeneDx Variant Classification Process June 2021. Collection method: clinical testing. Allele origin: germline. Affected: yes.
Comment: Not observed at significant frequency in large population cohorts (gnomAD); In silico analysis supports that this missense variant does not alter protein structure/function; Has not been previously published as pathogenic or benign to our knowledge